The following is an entry in ClinVar:

ClinVar aggregate classification (germline): Uncertain significance (1 of 4 stars; one submission).

Conditions:
Hereditary cancer-predisposing syndrome. Also called: Neoplastic Syndromes, Hereditary; Tumor predisposition; Hereditary neoplastic syndrome; Hereditary Cancer Syndrome. Identifiers: Orphanet 140162, MedGen C0027672, MeSH D009386, MONDO:0015356.

Allele frequency attached by ClinVar (database versions not stated): TOPMed below 0.00001; gnomAD 0.00001.
gnomAD v4.1: 1 of 1,613,716 alleles (0.000062%); highest among the groups gnomAD compares: African/African-American, 0.0013%; no homozygotes.

Submission:

Color Diagnostics, LLC DBA Color Health
Classification: Uncertain significance for Hereditary cancer-predisposing syndrome. Last evaluated: 2023-12-05. Review status: criteria provided, single submitter. Criteria: ACMG Guidelines, 2015. Collection method: clinical testing. Allele origin: germline.
Comment: This missense variant replaces histidine with tyrosine at codon 2591 of the APC protein. Computational prediction suggests that this variant may not impact protein structure and function (internally defined REVEL score threshold <= 0.5, PMID: 27666373). To our knowledge, functional studies have not been reported for this variant. This variant has not been reported in individuals affected with APC-related disorders in the literature. This variant has not been identified in the general population by the Genome Aggregation Database (gnomAD). The available evidence is insufficient to determine the role of this variant in disease conclusively. Therefore, this variant is classified as a Variant of Uncertain Significance.

NM_000038.6(APC):c.7771C>T (p.His2591Tyr)

Gene: APC (APC regulator of Wnt signaling pathway; plus strand). Cytogenetic location: 5q22.2.
Variant type: single nucleotide variant.
Coding change: c.7771C>T on transcript NM_000038.6 (MANE Select); coding-DNA position 7771, C replaced by T.
Protein change: p.His2591Tyr; replaces histidine 2591 with tyrosine.
Molecular consequence: missense variant.
Genome position (GRCh38, 1-based): chr5:112,843,365, C>T. VCF-style: chr5-112843365-C-T. GRCh37 (hg19) VCF-style: chr5-112179062-C-T.
Other names: c.7771C>T, p.His2591Tyr (NM_001127510.3, NM_001354895.2); c.7717C>T, p.His2573Tyr (NM_001127511.3); c.7825C>T, p.His2609Tyr (NM_001354896.2); c.7801C>T, p.His2601Tyr (NM_001354897.2); c.7696C>T, p.His2566Tyr (NM_001354898.2); c.7687C>T, p.His2563Tyr (NM_001354899.2); c.7648C>T, p.His2550Tyr (NM_001354900.2); c.7594C>T, p.His2532Tyr (NM_001354901.2); and 5 more; short protein forms H2573Y, H2591Y, H2308Y, H2601Y, H2500Y, H2532Y, H2550Y, H2566Y.
Identifiers: ClinVar variation 628605 (VCV000628605.5), dbSNP rs1114167572, ClinGen allele CA16038214.